The following is an entry in ClinVar:

NM_001931.5(DLAT):c.606G>A (p.Ser202=)

Gene: DLAT (dihydrolipoamide S-acetyltransferase; plus strand). Cytogenetic location: 11q23.1.
Variant type: single nucleotide variant.
Coding change: c.606G>A on transcript NM_001931.5 (MANE Select); coding-DNA position 606, G replaced by A.
Protein change: p.Ser202=; no amino-acid change (serine 202 retained).
Molecular consequence: synonymous variant. On other transcripts: non-coding transcript variant (1), intron variant (2).
Genome position (GRCh38, 1-based): chr11:112,028,891, G>A. VCF-style: chr11-112028891-G-A. GRCh37 (hg19) VCF-style: chr11-111899615-G-A.
Other names: c.606G>A, p.Ser202= (NM_001372031.1, NM_001372032.1, NM_001372033.1 and 3 more transcripts); c.573G>A, p.Ser191= (NM_001372034.1); c.480G>A, p.Ser160= (NM_001372036.1); c.438G>A, p.Ser146= (NM_001372037.1); c.144G>A, p.Ser48= (NM_001372042.1); c.381+2592G>A (NM_001372038.1); c.364+2609G>A (NM_001372040.1).
Identifiers: ClinVar variation 1254378 (VCV001254378.14), dbSNP rs148153443, ClinGen allele CA6276703.

ClinVar aggregate classification (germline): Likely benign. Review status: criteria provided, multiple submitters, no conflicts (2 of 4 stars). 3 submissions from 3 submitters: Likely benign (3). Last evaluated 2026-03-01.

Conditions:
Pyruvate dehydrogenase E2 deficiency (PDHDD). Also called: Dihydrolipoamide Acetyltransferase (E2) Deficiency; LACTIC ACIDEMIA DUE TO DEFECT OF E2 LIPOYL TRANSACETYLASE OF THE PYRUVATE DEHYDROGENASE COMPLEX. Identifiers: Orphanet 765, Orphanet 79244, MedGen C1855565, MONDO:0009502, OMIM 245348.

Allele frequency attached by ClinVar (database versions not stated): gnomAD 0.00006 and 0.00010; gnomAD exomes 0.00007 and 0.00017; ESP Exome Variant Server 0.00008; TOPMed 0.00008; ExAC 0.00013.
gnomAD v4.1: 128 of 1,614,016 alleles (0.0079%); highest among the groups gnomAD compares: East Asian, 0.091%; no homozygotes.

Submissions (3):

CeGaT Center for Human Genetics Tuebingen
Classification: Likely benign. Last evaluated: 2026-03-01. Review status: criteria provided, single submitter. Criteria: CeGaT Center For Human Genetics Tuebingen Variant Classification Criteria Version 2. Collection method: clinical testing. Allele origin: germline. Affected: yes. Observed: 1 variant allele.
Comment: DLAT: BP4, BP7

Labcorp Genetics (formerly Invitae), Labcorp
Classification: Likely benign for Pyruvate dehydrogenase E2 deficiency. Last evaluated: 2025-12-22. Review status: criteria provided, single submitter. Criteria: Invitae Variant Classification Sherloc (09022015). Collection method: clinical testing. Allele origin: germline.

GeneDx
Classification: Likely benign. Last evaluated: 2021-02-08. Review status: criteria provided, single submitter. Criteria: GeneDx Variant Classification Process June 2021. Collection method: clinical testing. Allele origin: germline. Affected: yes.